The following is an entry in ClinVar:

NM_000535.7(PMS2):c.538G>A (p.Glu180Lys)

Gene: PMS2 (PMS1 homolog 2, mismatch repair system component; minus strand). Cytogenetic location: 7p22.1.
Variant type: single nucleotide variant.
Coding change: c.538G>A on transcript NM_000535.7 (MANE Select); coding-DNA position 538, G replaced by A.
Protein change: p.Glu180Lys; replaces glutamic acid 180 with lysine.
Molecular consequence: missense variant. On other transcripts: non-coding transcript variant (1), intron variant (3).
Genome position (GRCh38, 1-based): chr7:5,999,275, C>T on the plus strand (G>A on the coding strand, the complement: PMS2 is on the minus strand). VCF-style: chr7-5999275-C-T. GRCh37 (hg19) VCF-style: chr7-6038906-C-T.
Other names: c.133G>A, p.Glu45Lys (NM_001322003.2, NM_001322004.2, NM_001322005.2 and 2 more transcripts); c.538G>A, p.Glu180Lys (NM_001322006.2, NM_001322014.2); c.220G>A, p.Glu74Lys (NM_001322007.2, NM_001322008.2); c.229G>A, p.Glu77Lys (NM_001322015.2); c.133-1852G>A (NM_001322013.2); c.-347-49G>A (NM_001322012.2, NM_001322011.2); short protein forms E180K, E45K, E74K, E77K.
Identifiers: ClinVar variation 1332094 (VCV001332094.4), dbSNP rs876660198, ClinGen allele CA366744136.

ClinVar aggregate classification (germline): Uncertain significance. Review status: criteria provided, multiple submitters, no conflicts (2 of 4 stars). 2 submissions from 2 submitters: Uncertain significance (2). Last evaluated 2024-12-29.

Conditions:
Hereditary nonpolyposis colorectal neoplasms. Identifiers: MedGen C0009405, MeSH D003123.
Hereditary cancer-predisposing syndrome. Also called: Tumor predisposition; Hereditary Cancer Syndrome; Neoplastic Syndromes, Hereditary; Hereditary neoplastic syndrome. Identifiers: Orphanet 140162, MedGen C0027672, MeSH D009386, MONDO:0015356.

Submissions (2):

Labcorp Genetics (formerly Invitae), Labcorp
Classification: Uncertain significance for Hereditary nonpolyposis colorectal neoplasms. Last evaluated: 2024-12-29. Review status: criteria provided, single submitter. Criteria: Invitae Variant Classification Sherloc (09022015). Collection method: clinical testing. Allele origin: germline.
Comment: This sequence change replaces glutamic acid, which is acidic and polar, with lysine, which is basic and polar, at codon 180 of the PMS2 protein (p.Glu180Lys). This variant is not present in population databases (gnomAD no frequency). This variant has not been reported in the literature in individuals affected with PMS2-related conditions. ClinVar contains an entry for this variant (Variation ID: 1332094). An algorithm developed to predict the effect of missense changes on protein structure and function (PolyPhen-2) suggests that this variant is likely to be disruptive. Algorithms developed to predict the effect of sequence changes on RNA splicing suggest that this variant may disrupt the consensus splice site. In summary, the available evidence is currently insufficient to determine the role of this variant in disease. Therefore, it has been classified as a Variant of Uncertain Significance.

Color Diagnostics, LLC DBA Color Health
Classification: Uncertain significance for Hereditary cancer-predisposing syndrome. Last evaluated: 2021-03-12. Review status: criteria provided, single submitter. Criteria: ACMG Guidelines, 2015. Collection method: clinical testing. Allele origin: germline.
Comment: This missense variant replaces glutamic acid with lysine at codon 180 of the PMS2 protein. Computational prediction suggests that this variant may have deleterious impact on protein structure and function (internally defined REVEL score threshold >= 0.7, PMID: 27666373). To our knowledge, functional studies have not been reported for this variant. This variant has not been reported in individuals affected with hereditary cancer in the literature. This variant has not been identified in the general population by the Genome Aggregation Database (gnomAD). The available evidence is insufficient to determine the role of this variant in disease conclusively. Therefore, this variant is classified as a Variant of Uncertain Significance.